The following is an entry in ClinVar:

NM_000075.4(CDK4):c.763C>T (p.Arg255Cys)

Genes: CDK4 (cyclin dependent kinase 4; minus strand), TSPAN31 (tetraspanin 31; plus strand). Cytogenetic location: 12q14.1.
Variant type: single nucleotide variant.
Coding change: c.763C>T on transcript NM_000075.4 (MANE Select); coding-DNA position 763, C replaced by T.
Protein change: p.Arg255Cys; replaces arginine 255 with cysteine.
Molecular consequence: missense variant. On other transcripts: 3 prime UTR variant (3).
Genome position (GRCh38, 1-based): chr12:57,749,238, G>A on the plus strand (C>T on the coding strand, the complement: CDK4 is on the minus strand). VCF-style: chr12-57749238-G-A. GRCh37 (hg19) VCF-style: chr12-58143021-G-A.
Other names: c.*1948G>A (NM_001330168.2, NM_001330169.2, NM_005981.5); short protein forms R255C.
Identifiers: ClinVar variation 133877 (VCV000133877.31), dbSNP rs587778188, ClinGen allele CA158055.

ClinVar aggregate classification (germline): Conflicting classifications of pathogenicity. Review status: criteria provided, conflicting classifications (1 of 4 stars). 11 submissions from 11 submitters: Uncertain significance (4); Benign (1); Likely benign (4). 2 of the submissions do not count toward it. Last evaluated 2026-01-13.

Conditions:
CDK4-related disorder. Also called: CDK4-related condition.
Familial melanoma. Also called: Hereditary melanoma; Hereditary cutaneous melanoma. Identifiers: Orphanet 618, MedGen C1512419, MONDO:0018961.
Hereditary cancer-predisposing syndrome. Also called: Tumor predisposition; Hereditary neoplastic syndrome; Neoplastic Syndromes, Hereditary; Hereditary Cancer Syndrome. Identifiers: Orphanet 140162, MedGen C0027672, MeSH D009386, MONDO:0015356.
Melanoma, cutaneous malignant, susceptibility to, 3. Also called: Cutaneous malignant melanoma 3. Identifiers: Orphanet 618, MedGen C1836892, MONDO:0012183, OMIM 609048.

Allele frequency attached by ClinVar (database versions not stated): gnomAD 0.00002 and 0.00003; TOPMed 0.00005; ExAC 0.00006; gnomAD exomes 0.00002 and 0.00005.
gnomAD v4.1: 35 of 1,614,022 alleles (0.0022%); highest among the groups gnomAD compares: East Asian, 0.058%; no homozygotes.

Submissions (11):

Labcorp Genetics (formerly Invitae), Labcorp
Classification: Likely benign for Familial melanoma. Last evaluated: 2026-01-13. Review status: criteria provided, single submitter. Criteria: Invitae Variant Classification Sherloc (09022015). Collection method: clinical testing. Allele origin: germline.

Center for Genomic Medicine, Rigshospitalet, Copenhagen University Hospital
Classification: Uncertain significance. Last evaluated: 2025-03-04. Review status: criteria provided, single submitter. Criteria: ACMG Guidelines, 2015. Collection method: clinical testing. Allele origin: germline.

Women's Health and Genetics/Laboratory Corporation of America, LabCorp
Classification: Likely benign. Last evaluated: 2024-02-26. Review status: criteria provided, single submitter. Criteria: LabCorp Variant Classification Summary - May 2015. Collection method: clinical testing. Allele origin: germline.
Comment: Variant summary: CDK4 c.763C>T (p.Arg255Cys) results in a non-conservative amino acid change located in the Protein kinase domain (IPR000719) of the encoded protein sequence. Three of five in-silico tools predict a damaging effect of the variant on protein function. The variant allele was found at a frequency of 4e-05 in 325764 control chromosomes, predominantly at a frequency of 0.00065 within the East Asian subpopulation in the gnomAD database. The observed variant frequency within East Asian control individuals in the gnomAD database is approximately 33-fold of the estimated maximal expected allele frequency for a pathogenic variant in CDK4 causing Cutaneous Malignant Melanoma phenotype (2e-05), strongly suggesting that the variant is a benign polymorphism found primarily in populations of East Asian origin. c.763C>T has been reported in the literature in individuals affected with Gastric Cancer (e.g. Choi_2021) and suspected hereditary cancer predisposition (e.g. Tsaousis_2019) without evidence for causality. These reports do not provide unequivocal conclusions about association of the variant with Cutaneous Malignant Melanoma. To our knowledge, no experimental evidence demonstrating an impact on protein function has been reported. The following publications have been ascertained in the context of this evaluation (PMID: 34285288, 36243179, 31159747). ClinVar contains an entry for this variant (Variation ID: 133877). Based on the evidence outlined above, the variant was classified as likely benign.

GeneDx
Classification: Uncertain significance. Last evaluated: 2024-02-09. Review status: criteria provided, single submitter. Criteria: GeneDx Variant Classification Process June 2021. Collection method: clinical testing. Allele origin: germline. Affected: yes.
Comment: In silico analysis supports that this missense variant has a deleterious effect on protein structure/function; Observed in individuals with a personal and/or family history of cancer as well as in healthy individual(s) undergoing whole genome sequencing (PMID: 24728327, 31159747, 34285288); This variant is associated with the following publications: (PMID: 31159747, 24728327, 34285288, 36243179)

Quest Diagnostics Nichols Institute San Juan Capistrano
Classification: Likely benign. Last evaluated: 2024-01-17. Review status: criteria provided, single submitter. Criteria: Quest Diagnostics criteria. Collection method: clinical testing. Allele origin: unknown.

Ambry Genetics
Classification: Likely benign for Hereditary cancer-predisposing syndrome. Last evaluated: 2023-03-02. Review status: criteria provided, single submitter. Criteria: Ambry Variant Classification Scheme 2023. Collection method: clinical testing. Allele origin: germline.

Mendelics
Classification: Uncertain significance for Melanoma, cutaneous malignant, susceptibility to, 3. Last evaluated: 2019-05-28. Review status: criteria provided, single submitter. Criteria: Mendelics Assertion Criteria 2017. Collection method: clinical testing. Allele origin: unknown.

GeneKor MSA
Classification: Uncertain significance for Hereditary cancer-predisposing syndrome. Last evaluated: 2018-08-01. Review status: criteria provided, single submitter. Criteria: ACMG Guidelines, 2015. Collection method: clinical testing. Allele origin: germline. Affected: yes.

Illumina Laboratory Services, Illumina
Classification: Benign for Melanoma, cutaneous malignant, susceptibility to, 3. Last evaluated: 2018-01-12. Review status: criteria provided, single submitter. Criteria: ICSL Variant Classification Criteria 13 December 2019. Collection method: clinical testing. Allele origin: germline.
Comment: This variant was observed in the ICSL laboratory as part of a predisposition screen in an ostensibly healthy population. It had not been previously curated by ICSL or reported in the Human Gene Mutation Database (HGMD: prior to June 1st, 2018), and was therefore a candidate for classification through an automated scoring system. Utilizing variant allele frequency, disease prevalence and penetrance estimates, and inheritance mode, an automated score was calculated to assess if this variant is too frequent to cause the disease. Based on the score and internal cut-off values, a variant classified as benign is not then subjected to further curation. The score for this variant resulted in a classification of benign for this disease.

PreventionGenetics, part of Exact Sciences
Classification: Likely benign for CDK4-related condition. Last evaluated: 2024-06-04. Review status: no assertion criteria provided. Collection method: clinical testing. Allele origin: germline. Not counted in ClinVar's aggregate classification.
Comment: This variant is classified as likely benign based on ACMG/AMP sequence variant interpretation guidelines (Richards et al. 2015 PMID: 25741868, with internal and published modifications).

ITMI
No classification provided. Condition: AllHighlyPenetrant. Last evaluated: 2013-09-19. Review status: no classification provided. Collection method: reference population. Allele origin: germline. Not counted in ClinVar's aggregate classification.
Comment: Please see associated publication for description of ethnicities

Literature cited by the submitters: PubMed 31159747 (cited by 3 submitters); PubMed 34285288 (cited by 3 submitters); PubMed 36243179 (cited by Women's Health and Genetics/Laboratory Corporation of America, LabCorp and Quest Diagnostics Nichols Institute San Juan Capistrano); PubMed 24728327 (cited by 3 submitters).